The following is an entry in ClinVar:

ClinVar aggregate classification (germline): Uncertain significance (1 of 4 stars; one submission).

gnomAD v4.1: 3 of 1,613,344 alleles (0.00019%); highest among the groups gnomAD compares: Admixed American, 0.005%; no homozygotes.

Submission:

Labcorp Genetics (formerly Invitae), Labcorp
Classification: Uncertain significance. Last evaluated: 2024-11-05. Review status: criteria provided, single submitter. Criteria: Invitae Variant Classification Sherloc (09022015). Collection method: clinical testing. Allele origin: germline.
Comment: This sequence change replaces arginine, which is basic and polar, with proline, which is neutral and non-polar, at codon 781 of the ADAMTSL4 protein (p.Arg781Pro). This variant is present in population databases (no rsID available, gnomAD 0.009%). This variant has not been reported in the literature in individuals affected with ADAMTSL4-related conditions. ClinVar contains an entry for this variant (Variation ID: 1916652). Invitae Evidence Modeling of protein sequence and biophysical properties (such as structural, functional, and spatial information, amino acid conservation, physicochemical variation, residue mobility, and thermodynamic stability) indicates that this missense variant is not expected to disrupt ADAMTSL4 protein function with a negative predictive value of 80%. In summary, the available evidence is currently insufficient to determine the role of this variant in disease. Therefore, it has been classified as a Variant of Uncertain Significance.

NM_019032.6(ADAMTSL4):c.2342G>C (p.Arg781Pro)

Gene: ADAMTSL4 (ADAMTS like 4; plus strand). Cytogenetic location: 1q21.2.
Variant type: single nucleotide variant.
Coding change: c.2342G>C on transcript NM_019032.6 (MANE Select); coding-DNA position 2342, G replaced by C.
Protein change: p.Arg781Pro; replaces arginine 781 with proline.
Molecular consequence: missense variant.
Genome position (GRCh38, 1-based): chr1:150,558,109, G>C. VCF-style: chr1-150558109-G-C. GRCh37 (hg19) VCF-style: chr1-150530585-G-C.
Other names: c.2225G>C, p.Arg742Pro (NM_001288607.2); c.2411G>C, p.Arg804Pro (NM_001288608.2); c.2342G>C, p.Arg781Pro (NM_001378596.1, NM_025008.5); short protein forms R742P, R804P, R781P.
Identifiers: ClinVar variation 1916652 (VCV001916652.4), dbSNP rs774178865, ClinGen allele CA342314921.